The following is an entry in ClinVar:

ClinVar aggregate classification (germline): Uncertain significance (1 of 4 stars; one submission).

Submission:

Ambry Genetics
Classification: Uncertain significance. Last evaluated: 2025-06-19. Review status: criteria provided, single submitter. Criteria: Ambry Variant Classification Scheme 2023. Collection method: clinical testing. Allele origin: germline.
Comment: The p.S69R variant (also known as c.207C>G), located in coding exon 1 of the TET2 gene, results from a C to G substitution at nucleotide position 207. The serine at codon 69 is replaced by arginine, an amino acid with dissimilar properties. This amino acid position is conserved. In addition, this alteration is predicted to be tolerated by in silico analysis. Based on the available evidence, the clinical significance of this variant remains unclear.

NM_001127208.3(TET2):c.207C>G (p.Ser69Arg)

Genes: TET2 (tet methylcytosine dioxygenase 2; plus strand), TET2-AS1 (TET2 antisense RNA 1; minus strand). Cytogenetic location: 4q24.
Variant type: single nucleotide variant.
Coding change: c.207C>G on transcript NM_001127208.3 (MANE Select); coding-DNA position 207, C replaced by G.
Protein change: p.Ser69Arg; replaces serine 69 with arginine.
Molecular consequence: missense variant.
Genome position (GRCh38, 1-based): chr4:105,234,149, C>G. VCF-style: chr4-105234149-C-G. GRCh37 (hg19) VCF-style: chr4-106155306-C-G.
Other names: c.207C>G, p.Ser69Arg (NM_017628.4); short protein forms S69R.
Identifiers: ClinVar variation 4182917 (VCV004182917.1).